The following is an entry in ClinVar:

ClinVar aggregate classification (germline): Uncertain significance. Review status: criteria provided, multiple submitters, no conflicts (2 of 4 stars). 5 submissions from 5 submitters: Uncertain significance (5). Last evaluated 2026-04-17.

Conditions:
Hereditary cancer-predisposing syndrome. Also called: Hereditary Cancer Syndrome; Hereditary neoplastic syndrome; Tumor predisposition; Neoplastic Syndromes, Hereditary. Identifiers: Orphanet 140162, MedGen C0027672, MeSH D009386, MONDO:0015356.
Tuberous sclerosis 2 (TSC2). Identifiers: Orphanet 805, MedGen C1860707, MONDO:0013199, OMIM 613254.
Lymphangiomyomatosis (LAM). Also called: Lymphangioleiomyomatosis; Lymphangioleiomyomatosis, somatic. Identifiers: Orphanet 538, MedGen C0751674, MONDO:0011705, OMIM 606690.
Isolated focal cortical dysplasia type II (FCORD2). Also called: Focal cortical dysplasia type II; CORTICAL DYSPLASIA OF TAYLOR. Identifiers: Orphanet 268994, MedGen C1846385, MONDO:0011818, OMIM 607341, HP:0032051.

Allele frequency attached by ClinVar (database versions not stated): TOPMed below 0.00001; gnomAD 0.00001.
gnomAD v4.1: 1 of 1,613,272 alleles (0.000062%); highest among the groups gnomAD compares: Non-Finnish European, 0.000085%; no homozygotes.

Submissions (5):

GeneDx
Classification: Uncertain significance. Last evaluated: 2026-04-17. Review status: criteria provided, single submitter. Criteria: GeneDx Variant Classification Process June 2021. Collection method: clinical testing. Allele origin: germline.
Comment: Not observed at significant frequency in large population cohorts (gnomAD); In silico analysis supports that this missense variant has a deleterious effect on protein structure/function; Has not been previously published as pathogenic or benign to our knowledge

Quest Diagnostics Nichols Institute San Juan Capistrano
Classification: Uncertain significance. Last evaluated: 2025-08-08. Review status: criteria provided, single submitter. Criteria: Quest Diagnostics criteria. Collection method: clinical testing. Allele origin: unknown.

Ambry Genetics
Classification: Uncertain significance for Hereditary cancer-predisposing syndrome. Last evaluated: 2025-01-10. Review status: criteria provided, single submitter. Criteria: Ambry Variant Classification Scheme 2023. Collection method: clinical testing. Allele origin: germline.
Comment: The p.P1521S variant (also known as c.4561C>T), located in coding exon 34 of the TSC2 gene, results from a C to T substitution at nucleotide position 4561. The proline at codon 1521 is replaced by serine, an amino acid with similar properties. This amino acid position is highly conserved in available vertebrate species. In addition, this alteration is predicted to be deleterious by in silico analysis. Based on the available evidence, the clinical significance of this variant remains unclear.

Labcorp Genetics (formerly Invitae), Labcorp
Classification: Uncertain significance for Tuberous sclerosis 2. Last evaluated: 2024-08-12. Review status: criteria provided, single submitter. Criteria: Invitae Variant Classification Sherloc (09022015). Collection method: clinical testing. Allele origin: germline.
Comment: This sequence change replaces proline, which is neutral and non-polar, with serine, which is neutral and polar, at codon 1521 of the TSC2 protein (p.Pro1521Ser). This variant is not present in population databases (gnomAD no frequency). This variant has not been reported in the literature in individuals affected with TSC2-related conditions. ClinVar contains an entry for this variant (Variation ID: 934051). Advanced modeling of protein sequence and biophysical properties (such as structural, functional, and spatial information, amino acid conservation, physicochemical variation, residue mobility, and thermodynamic stability) performed at Invitae indicates that this missense variant is not expected to disrupt TSC2 protein function with a negative predictive value of 95%. In summary, the available evidence is currently insufficient to determine the role of this variant in disease. Therefore, it has been classified as a Variant of Uncertain Significance.

Fulgent Genetics
Classification: Uncertain significance for Lymphangiomyomatosis; Isolated focal cortical dysplasia type II; Tuberous sclerosis 2. Last evaluated: 2022-04-19. Review status: criteria provided, single submitter. Criteria: ACMG Guidelines, 2015. Collection method: clinical testing. Allele origin: unknown.

NM_000548.5(TSC2):c.4561C>T (p.Pro1521Ser)

Gene: TSC2 (TSC complex subunit 2; plus strand). Cytogenetic location: 16p13.3.
Variant type: single nucleotide variant.
Coding change: c.4561C>T on transcript NM_000548.5 (MANE Select); coding-DNA position 4561, C replaced by T.
Protein change: p.Pro1521Ser; replaces proline 1521 with serine.
Molecular consequence: missense variant.
Genome position (GRCh38, 1-based): chr16:2,085,018, C>T. VCF-style: chr16-2085018-C-T. GRCh37 (hg19) VCF-style: chr16-2135019-C-T.
Other names: c.4360C>T, p.Pro1454Ser (NM_001077183.3); c.4492C>T, p.Pro1498Ser (NM_001114382.3); c.4252C>T, p.Pro1418Ser (NM_001318827.2); c.4216C>T, p.Pro1406Ser (NM_001318829.2); c.3829C>T, p.Pro1277Ser (NM_001318831.2); c.4393C>T, p.Pro1465Ser (NM_001318832.2); c.4363C>T, p.Pro1455Ser (NM_001363528.2); c.4429C>T, p.Pro1477Ser (NM_001370404.1); and 1 more; short protein forms P1277S, P1406S, P1455S, P1477S, P1418S, P1454S, P1465S, P1478S.
Identifiers: ClinVar variation 934051 (VCV000934051.14), dbSNP rs1468281970, ClinGen allele CA394303051.